The following is an entry in ClinVar:

ClinVar aggregate classification (germline): Uncertain significance (1 of 4 stars; one submission).

Allele frequency attached by ClinVar (database versions not stated): gnomAD exomes below 0.00001; TOPMed below 0.00001; ExAC 0.00001; gnomAD 0.00001.
gnomAD v4.1: 2 of 1,613,862 alleles (0.00012%); highest among the groups gnomAD compares: East Asian, 0.0022%; no homozygotes.

Submission:

Labcorp Genetics (formerly Invitae), Labcorp
Classification: Uncertain significance. Last evaluated: 2020-08-14. Review status: criteria provided, single submitter. Criteria: Invitae Variant Classification Sherloc (09022015). Collection method: clinical testing. Allele origin: germline.
Comment: In summary, the available evidence is currently insufficient to determine the role of this variant in disease. Therefore, it has been classified as a Variant of Uncertain Significance. This variant has not been reported in the literature in individuals with SZT2-related conditions. Algorithms developed to predict the effect of missense changes on protein structure and function (SIFT, PolyPhen-2, Align-GVGD) all suggest that this variant is likely to be tolerated, but these predictions have not been confirmed by published functional studies and their clinical significance is uncertain. This sequence change replaces serine with threonine at codon 2583 of the SZT2 protein (p.Ser2583Thr). The serine residue is moderately conserved and there is a small physicochemical difference between serine and threonine. This variant is present in population databases (rs759590945, ExAC 0.01%).

NM_001365999.1(SZT2):c.7918T>A (p.Ser2640Thr)

Gene: SZT2 (SZT2 subunit of KICSTOR complex; plus strand). Cytogenetic location: 1p34.2.
Variant type: single nucleotide variant.
Coding change: c.7918T>A on transcript NM_001365999.1 (MANE Select); coding-DNA position 7918, T replaced by A.
Protein change: p.Ser2640Thr; replaces serine 2640 with threonine.
Molecular consequence: missense variant.
Genome position (GRCh38, 1-based): chr1:43,442,312, T>A. VCF-style: chr1-43442312-T-A. GRCh37 (hg19) VCF-style: chr1-43907983-T-A.
Other names: c.7747T>A, p.Ser2583Thr (NM_015284.4); short protein forms S2583T, S2640T.
Identifiers: ClinVar variation 1001551 (VCV001001551.9), dbSNP rs759590945, ClinGen allele CA810405.